The following is an entry in ClinVar:

ClinVar aggregate classification (germline): Uncertain significance (1 of 4 stars; one submission).

Allele frequency attached by ClinVar (database versions not stated): TOPMed below 0.00001.

Submission:

Labcorp Genetics (formerly Invitae), Labcorp
Classification: Uncertain significance. Last evaluated: 2021-12-25. Review status: criteria provided, single submitter. Criteria: Invitae Variant Classification Sherloc (09022015). Collection method: clinical testing. Allele origin: germline.
Comment: In summary, the available evidence is currently insufficient to determine the role of this variant in disease. Therefore, it has been classified as a Variant of Uncertain Significance. Algorithms developed to predict the effect of sequence changes on RNA splicing suggest that this variant may create or strengthen a splice site. Algorithms developed to predict the effect of missense changes on protein structure and function are either unavailable or do not agree on the potential impact of this missense change (SIFT: "Deleterious"; PolyPhen-2: "Probably Damaging"; Align-GVGD: "Class C0"). This variant has not been reported in the literature in individuals affected with ZNF469-related conditions. This variant is not present in population databases (gnomAD no frequency). This sequence change replaces leucine, which is neutral and non-polar, with valine, which is neutral and non-polar, at codon 3912 of the ZNF469 protein (p.Leu3912Val).

NM_001367624.2(ZNF469):c.11818C>G (p.Leu3940Val)

Gene: ZNF469 (zinc finger protein 469; plus strand). Cytogenetic location: 16q24.2.
Variant type: single nucleotide variant.
Coding change: c.11818C>G on transcript NM_001367624.2 (MANE Select); coding-DNA position 11818, C replaced by G.
Protein change: p.Leu3940Val; replaces leucine 3940 with valine.
Molecular consequence: missense variant.
Genome position (GRCh38, 1-based): chr16:88,439,288, C>G. VCF-style: chr16-88439288-C-G. GRCh37 (hg19) VCF-style: chr16-88505696-C-G.
Other names: short protein forms L3940V.
Identifiers: ClinVar variation 2061115 (VCV002061115.4), dbSNP rs1906840069, ClinGen allele CA397131329.